The following is an entry in ClinVar:

NM_006267.5(RANBP2):c.2224G>A (p.Val742Ile)

Gene: RANBP2 (RAN binding protein 2; plus strand). Cytogenetic location: 2q13.
Variant type: single nucleotide variant.
Coding change: c.2224G>A on transcript NM_006267.5 (MANE Select); coding-DNA position 2224, G replaced by A.
Protein change: p.Val742Ile; replaces valine 742 with isoleucine.
Molecular consequence: missense variant.
Genome position (GRCh38, 1-based): chr2:108,754,926, G>A. VCF-style: chr2-108754926-G-A. GRCh37 (hg19) VCF-style: chr2-109371382-G-A.
Other names: c.2224G>A, p.Val742Ile (NM_001415871.1, NM_001415873.1); c.2221G>A, p.Val741Ile (NM_001415872.1); short protein forms V742I, V741I.
Identifiers: ClinVar variation 3942699 (VCV003942699.3).

ClinVar aggregate classification (germline): Uncertain significance. Review status: criteria provided, multiple submitters, no conflicts (2 of 4 stars). 2 submissions from 2 submitters: Uncertain significance (2). Last evaluated 2025-11-08.

Conditions:
Familial acute necrotizing encephalopathy (IIAE3). Also called: ENCEPHALOPATHY, ACUTE, INFECTION-INDUCED, SUSCEPTIBILITY TO, 3; Susceptibility to Acute Necrotizing Encephalopathy 1. Identifiers: Orphanet 88619, MedGen C2675556, MONDO:0011953, OMIM 608033.

gnomAD v4.1: 2 of 1,611,856 alleles (0.00012%); highest among the groups gnomAD compares: Admixed American, 0.0017%; no homozygotes.

Submissions (2):

Dasa
Classification: Uncertain significance for Familial acute necrotizing encephalopathy. Last evaluated: 2025-11-08. Review status: criteria provided, single submitter. Criteria: DASA Assertion Criteria. Collection method: clinical testing. Allele origin: germline.
Comment: NM_006267.5(RANBP2):c.2224G>A (p.Val742Ile) is a missense variant that results in the substitution of valine with isoleucine. This variant is rare in population databases. The currently available literature and clinical evidence are not sufficient to establish a definitive association between this variant and the reported condition. Therefore, this variant is classified as a variant of uncertain significance.

Ambry Genetics
Classification: Uncertain significance. Last evaluated: 2025-04-08. Review status: criteria provided, single submitter. Criteria: Ambry Variant Classification Scheme 2023. Collection method: clinical testing. Allele origin: germline.